The following is an entry in ClinVar:

NM_000038.6(APC):c.1409-2A>C

Gene: APC (APC regulator of Wnt signaling pathway; plus strand). Cytogenetic location: 5q22.2.
Variant type: single nucleotide variant.
Coding change: c.1409-2A>C on transcript NM_000038.6 (MANE Select); the canonical splice acceptor site of the intron before coding-DNA position 1409, A replaced by C.
Molecular consequence: splice acceptor variant.
Genome position (GRCh38, 1-based): chr5:112,827,106, A>C. VCF-style: chr5-112827106-A-C. GRCh37 (hg19) VCF-style: chr5-112162803-A-C.
Other names: c.560-2A>C (NM_001407470.1, NM_001354906.2); c.257-2A>C (NM_001407472.1, NM_001407471.1); c.1463-2A>C (NM_001407447.1, NM_001407448.1, NM_001407449.1 and 1 more transcripts); c.1409-2A>C (NM_001354895.2, NM_001407450.1, NM_001127510.3); c.1160-2A>C (NM_001407456.1, NM_001407457.1, NM_001407455.1 and 1 more transcripts); c.1106-2A>C (NM_001407460.1, NM_001407458.1, NM_001407459.1 and 1 more transcripts); c.1379-2A>C (NM_001407452.1); c.1022-2A>C (NM_001407469.1, NM_001407467.1); and 11 more.
Identifiers: ClinVar variation 419874 (VCV000419874.17), dbSNP rs1064794163, ClinGen allele CA16618072.

ClinVar aggregate classification (germline): Pathogenic/Likely pathogenic. Review status: criteria provided, multiple submitters, no conflicts (2 of 4 stars). 6 submissions from 6 submitters: Pathogenic (5); Likely pathogenic (1). Last evaluated 2024-02-15.

Conditions:
Hereditary cancer-predisposing syndrome. Also called: Hereditary neoplastic syndrome; Tumor predisposition; Neoplastic Syndromes, Hereditary; Hereditary Cancer Syndrome. Identifiers: Orphanet 140162, MedGen C0027672, MeSH D009386, MONDO:0015356.
Familial adenomatous polyposis 1 (FAP1). Also called: FAMILIAL ADENOMATOUS POLYPOSIS 1, ATTENUATED; POLYPOSIS, ADENOMATOUS INTESTINAL. Identifiers: MedGen C2713442, MONDO:0021056, OMIM 175100. Disease mechanism: loss of function.

Submissions (6):

Molecular Pathology, Peter Maccallum Cancer Centre
Classification: Pathogenic for Familial adenomatous polyposis 1. Last evaluated: 2024-02-15. Review status: criteria provided, single submitter. Criteria: ACMG Guidelines, 2015. Collection method: clinical testing. Allele origin: germline. Inheritance: Autosomal dominant inheritance.

Myriad Genetics, Inc.
Classification: Likely pathogenic for Familial adenomatous polyposis 1. Last evaluated: 2023-05-01. Review status: criteria provided, single submitter. Criteria: Myriad Autosomal Dominant, Autosomal Recessive and X-Linked Classification Criteria (2023). Collection method: clinical testing. Allele origin: unknown.
Comment: This variant is considered likely pathogenic. This variant occurs within a consensus splice junction and is predicted to result in abnormal mRNA splicing of either an out-of-frame exon or an in-frame exon necessary for protein stability and/or normal function. Functional studies indicate this variant impacts protein function [PMID: 15459959].

Labcorp Genetics (formerly Invitae), Labcorp
Classification: Pathogenic for Familial adenomatous polyposis 1. Last evaluated: 2022-05-21. Review status: criteria provided, single submitter. Criteria: Invitae Variant Classification Sherloc (09022015). Collection method: clinical testing. Allele origin: germline.
Comment: For these reasons, this variant has been classified as Pathogenic. Studies have shown that disruption of this splice site is associated with altered splicing resulting in multiple RNA products (Invitae). ClinVar contains an entry for this variant (Variation ID: 419874). Disruption of this splice site has been observed in individuals with familial adenomatous polyposis (PMID: 9950360, 19036155; Invitae). This variant is not present in population databases (gnomAD no frequency). This sequence change affects an acceptor splice site in intron 11 of the APC gene. It is expected to disrupt RNA splicing. Variants that disrupt the donor or acceptor splice site typically lead to a loss of protein function (PMID: 16199547), and loss-of-function variants in APC are known to be pathogenic (PMID: 17963004, 20685668).

Quest Diagnostics Nichols Institute San Juan Capistrano
Classification: Pathogenic. Last evaluated: 2021-02-05. Review status: criteria provided, single submitter. Criteria: Quest Diagnostics criteria. Collection method: clinical testing. Allele origin: unknown.
Comment: This variant is expected to severely impact normal RNA splicing, and consequently, protein structure and/or function. Found in at least one patient with expected phenotype for this gene. This variant has not been reported in large, multi-ethnic general populations.

Ambry Genetics
Classification: Pathogenic for Hereditary cancer-predisposing syndrome. Last evaluated: 2019-10-30. Review status: criteria provided, single submitter. Criteria: Ambry Variant Classification Scheme 2023. Collection method: clinical testing. Allele origin: germline.
Comment: The c.1409-2A>C intronic pathogenic mutation results from an A to C substitution two nucleotides upstream from coding exon 11 in the APC gene. A different mutation at the same nucleotide position, c.1409-2A>G, was detected in an AFAP patient and demonstrated aberrant splicing (Aretz S et al. Hum. Mutat., 2004 Nov;24:370-80). In addition to the clinical data presented in the literature, alterations that disrupt the canonical splice site are expected to cause aberrant splicing, resulting in an abnormal protein or a transcript that is subject to nonsense-mediated mRNA decay. As such, this alteration is classified as a disease-causing mutation.

GeneDx
Classification: Pathogenic. Last evaluated: 2015-09-21. Review status: criteria provided, single submitter. Criteria: GeneDx Variant Classification (06012015). Collection method: clinical testing. Allele origin: germline. Affected: yes.
Comment: This pathogenic variant is denoted APC c.1409-2A>C or IVS11-2A>C and consists of an A>C nucleotide substitution at the -2 position of intron 11 of the APC gene. The variant destroys a canonical splice acceptor site and is predicted to cause abnormal gene splicing, leading to either an abnormal message that is subject to nonsense-mediated mRNA decay or to an abnormal protein product. This variant has been reported in association with familial adenomatous polyposis (FAP) (Aretz 2004) and we consider it to be pathogenic.

Literature cited by the submitters: PubMed 15459959 (cited by 3 submitters); PubMed 9950360 (cited by Labcorp Genetics (formerly Invitae), Labcorp); PubMed 19036155 (cited by Labcorp Genetics (formerly Invitae), Labcorp); PubMed 16199547 (cited by Labcorp Genetics (formerly Invitae), Labcorp); PubMed 17963004 (cited by Labcorp Genetics (formerly Invitae), Labcorp); PubMed 20685668 (cited by Labcorp Genetics (formerly Invitae), Labcorp); PubMed 20223039 (cited by Quest Diagnostics Nichols Institute San Juan Capistrano and Ambry Genetics).